The following is an entry in ClinVar:

ClinVar aggregate classification (germline): Benign. Review status: criteria provided, multiple submitters, no conflicts (2 of 4 stars). 4 submissions from 4 submitters: Benign (4). Last evaluated 2026-01-27.

Allele frequency attached by ClinVar (database versions not stated): 1000 Genomes Project 0.01597; gnomAD 0.01733; 1000 Genomes Project 30x 0.01765; TOPMed 0.01861; ESP Exome Variant Server 0.01968.
gnomAD v4.1: 4,690 of 1,612,096 alleles (0.29%); highest among the groups gnomAD compares: African/African-American, 5.6%; 118 homozygotes.

Submissions (4):

Labcorp Genetics (formerly Invitae), Labcorp
Classification: Benign. Last evaluated: 2026-01-27. Review status: criteria provided, single submitter. Criteria: Invitae Variant Classification Sherloc (09022015). Collection method: clinical testing. Allele origin: germline.

Mayo Clinic Laboratories, Mayo Clinic
Classification: Benign. Last evaluated: 2018-08-14. Review status: criteria provided, single submitter. Criteria: ACMG Guidelines, 2015. Collection method: clinical testing. Allele origin: germline. Observed: 24 variant alleles.

Center for Pediatric Genomic Medicine, Children's Mercy Hospital and Clinics
Classification: Benign. Last evaluated: 2016-06-30. Review status: criteria provided, single submitter. Criteria: ACMG Guidelines, 2015. Collection method: clinical testing. Allele origin: germline.

GeneDx
Classification: Benign. Last evaluated: 2013-11-25. Review status: criteria provided, single submitter. Criteria: GeneDx Variant Classification (06012015). Collection method: clinical testing. Allele origin: germline. Affected: yes.
Comment: This variant is considered likely benign or benign based on one or more of the following criteria: it is a conservative change, it occurs at a poorly conserved position in the protein, it is predicted to be benign by multiple in silico algorithms, and/or has population frequency not consistent with disease.

NM_017909.4(RMND1):c.1349G>A (p.Ter450=)

Gene: RMND1 (required for meiotic nuclear division 1 homolog; minus strand). Cytogenetic location: 6q25.1.
Variant type: single nucleotide variant.
Coding change: c.1349G>A on transcript NM_017909.4 (MANE Select); coding-DNA position 1349, G replaced by A.
Protein change: p.Ter450=.
Molecular consequence: synonymous variant.
Genome position (GRCh38, 1-based): chr6:151,405,236, C>T on the plus strand (G>A on the coding strand, the complement: RMND1 is on the minus strand). VCF-style: chr6-151405236-C-T. GRCh37 (hg19) VCF-style: chr6-151726371-C-T.
Other names: p.*450*:TGA>TAA; p.*450=; c.839G>A, p.Ter280= (NM_001271937.2).
Identifiers: ClinVar variation 138915 (VCV000138915.13), dbSNP rs115079861, ClinGen allele CA293085.